The following is an entry in ClinVar:

NM_005633.4(SOS1):c.1770G>A (p.Glu590=)

Gene: SOS1 (SOS Ras/Rac guanine nucleotide exchange factor 1; minus strand). Cytogenetic location: 2p22.1.
Variant type: single nucleotide variant.
Coding change: c.1770G>A on transcript NM_005633.4 (MANE Select); coding-DNA position 1770, G replaced by A.
Protein change: p.Glu590=; no amino-acid change (glutamic acid 590 retained).
Molecular consequence: synonymous variant.
Genome position (GRCh38, 1-based): chr2:39,022,658, C>T on the plus strand (G>A on the coding strand, the complement: SOS1 is on the minus strand). VCF-style: chr2-39022658-C-T. GRCh37 (hg19) VCF-style: chr2-39249799-C-T.
Other names: p.E590E; NM_005633.3(SOS1):c.1770G>A; c.1749G>A, p.Glu583= (NM_001382394.1); c.1770G>A, p.Glu590= (NM_001382395.1).
Identifiers: ClinVar variation 40687 (VCV000040687.23), dbSNP rs553331572, ClinGen allele CA1624555.

ClinVar aggregate classification (germline): Benign. Review status: reviewed by expert panel (3 of 4 stars). 8 submissions from 8 submitters: Benign (1). 7 of the submissions do not count toward it. Last evaluated 2017-04-18.

Conditions:
Noonan syndrome and Noonan-related syndrome. Identifiers: Orphanet 98733, MedGen C5681679, MONDO:0020297.
Cardiovascular phenotype. Identifiers: MedGen CN230736.
RASopathy. Also called: rasopathies; Noonan spectrum disorder. Identifiers: Orphanet 536391, MedGen C5555857, MONDO:0021060.

Allele frequency attached by ClinVar (database versions not stated): 1000 Genomes Project 30x 0.00016; TOPMed 0.00019; 1000 Genomes Project 0.00020; gnomAD 0.00022; ExAC 0.00029.

Submissions (8):

ClinGen RASopathy Variant Curation Expert Panel
Classification: Benign for Noonan syndrome and Noonan-related syndrome. Last evaluated: 2017-04-18. Review status: reviewed by expert panel. Criteria: ClinGen RASopathy ACMG Specifications v1. Collection method: curation. Allele origin: germline. Inheritance: Autosomal dominant inheritance.
Comment: The filtering allele frequency of the c.1770G>A (p.Glu590=) variant in the SOS1 gene is 0.29% (34/8634) of East Asian chromosomes by the Exome Aggregation Consortium, which is a high enough frequency to be classified as benign based on thresholds defined by the ClinGen RASopathy Expert Panel (BA1; PMID:29493581)

Labcorp Genetics (formerly Invitae), Labcorp
Classification: Benign for RASopathy. Last evaluated: 2025-12-15. Review status: criteria provided, single submitter. Criteria: Invitae Variant Classification Sherloc (09022015). Collection method: clinical testing. Allele origin: germline. Not counted in ClinVar's aggregate classification.

Blueprint Genetics
Classification: Likely benign. Last evaluated: 2023-10-11. Review status: criteria provided, single submitter. Criteria: ACMG Guidelines, 2015. Collection method: clinical testing. Allele origin: germline. Not counted in ClinVar's aggregate classification.

Genome Diagnostics Laboratory, The Hospital for Sick Children
Classification: Benign for Noonan syndrome and Noonan-related syndrome. Last evaluated: 2020-03-01. Review status: criteria provided, single submitter. Criteria: ACMG Guidelines, 2015. Collection method: clinical testing. Allele origin: germline. Not counted in ClinVar's aggregate classification.

Ambry Genetics
Classification: Benign for Cardiovascular phenotype. Last evaluated: 2019-05-31. Review status: criteria provided, single submitter. Criteria: Ambry Variant Classification Scheme 2023. Collection method: clinical testing. Allele origin: germline. Not counted in ClinVar's aggregate classification.

Eurofins Ntd Llc (ga)
Classification: Likely benign. Last evaluated: 2017-08-09. Review status: criteria provided, single submitter. Criteria: EGL Classification Definitions 2015. Collection method: clinical testing. Allele origin: germline. Observed: 1 variant allele, 1 heterozygote. Not counted in ClinVar's aggregate classification.

Women's Health and Genetics/Laboratory Corporation of America, LabCorp
Classification: Benign. Last evaluated: 2017-07-10. Review status: criteria provided, single submitter. Criteria: LabCorp Variant Classification Summary - May 2015. Collection method: clinical testing. Allele origin: germline. Not counted in ClinVar's aggregate classification.
Comment: Variant summary: The SOS1 c.1770G>A (p.Glu590Glu) variant involves the alteration of a non-conserved nucleotide causing a synonymous change that 4/5 splice prediction tools predict no significant impact on normal splicing. However, these predictions have yet to be confirmed by functional studies. This variant was found in 35/121194 control chromosomes, predominantly observed in the East Asian subpopulation at a frequency of 0.003938 (34/8634). This frequency is about 131 times the estimated maximal expected allele frequency of a pathogenic SOS1 variant (0.00003), suggesting this is likely a benign polymorphism found primarily in population(s) of East Asian origin. The variant of interest has not, to our knowledge, been reported in affected individuals via publications and/or reputable databases/clinical diagnostic laboratories. Taken together, this variant is classified as benign.

GeneDx
Classification: Benign. Last evaluated: 2015-03-03. Review status: criteria provided, single submitter. Criteria: GeneDx Variant Classification Process June 2021. Collection method: clinical testing. Allele origin: germline. Affected: yes. Not counted in ClinVar's aggregate classification.